The following is an entry in ClinVar:

NM_177400.3(NKX6-2):c.323C>G (p.Ala108Gly)

Gene: NKX6-2 (NK6 homeobox 2; minus strand). Cytogenetic location: 10q26.3.
Variant type: single nucleotide variant.
Coding change: c.323C>G on transcript NM_177400.3 (MANE Select); coding-DNA position 323, C replaced by G.
Protein change: p.Ala108Gly; replaces alanine 108 with glycine.
Molecular consequence: missense variant.
Genome position (GRCh38, 1-based): chr10:132,785,626, G>C on the plus strand (C>G on the coding strand, the complement: NKX6-2 is on the minus strand). VCF-style: chr10-132785626-G-C. GRCh37 (hg19) VCF-style: chr10-134599130-G-C.
Other names: c.323C>G (NM_177400.2); short protein forms A108G.
Identifiers: ClinVar variation 2046186 (VCV002046186.5), dbSNP rs1847254782, ClinGen allele CA378770995.

ClinVar aggregate classification (germline): Uncertain significance. Review status: criteria provided, multiple submitters, no conflicts (2 of 4 stars). 2 submissions from 2 submitters: Uncertain significance (2). Last evaluated 2025-10-29.

Conditions:
Inborn genetic diseases. Identifiers: MedGen C0950123, MeSH D030342.

Allele frequency attached by ClinVar (database versions not stated): TOPMed 0.00001.

Submissions (2):

Ambry Genetics
Classification: Uncertain significance for Inborn genetic diseases. Last evaluated: 2025-10-29. Review status: criteria provided, single submitter. Criteria: Ambry Variant Classification Scheme 2023. Collection method: clinical testing. Allele origin: germline.

Labcorp Genetics (formerly Invitae), Labcorp
Classification: Uncertain significance. Last evaluated: 2025-04-07. Review status: criteria provided, single submitter. Criteria: Invitae Variant Classification Sherloc (09022015). Collection method: clinical testing. Allele origin: germline.
Comment: This sequence change replaces alanine, which is neutral and non-polar, with glycine, which is neutral and non-polar, at codon 108 of the NKX6-2 protein (p.Ala108Gly). This variant is not present in population databases (gnomAD no frequency). This variant has not been reported in the literature in individuals affected with NKX6-2-related conditions. ClinVar contains an entry for this variant (Variation ID: 2046186). Invitae Evidence Modeling of protein sequence and biophysical properties (such as structural, functional, and spatial information, amino acid conservation, physicochemical variation, residue mobility, and thermodynamic stability) indicates that this missense variant is not expected to disrupt NKX6-2 protein function with a negative predictive value of 80%. In summary, the available evidence is currently insufficient to determine the role of this variant in disease. Therefore, it has been classified as a Variant of Uncertain Significance.